The following is an entry in ClinVar:

NM_001082971.2(DDC):c.569A>C (p.Gln190Pro)

Gene: DDC (dopa decarboxylase; minus strand). Cytogenetic location: 7p12.1.
Variant type: single nucleotide variant.
Coding change: c.569A>C on transcript NM_001082971.2 (MANE Select); coding-DNA position 569, A replaced by C.
Protein change: p.Gln190Pro; replaces glutamine 190 with proline.
Molecular consequence: missense variant. On other transcripts: intron variant (1).
Genome position (GRCh38, 1-based): chr7:50,529,209, T>G on the plus strand (A>C on the coding strand, the complement: DDC is on the minus strand). VCF-style: chr7-50529209-T-G. GRCh37 (hg19) VCF-style: chr7-50596907-T-G.
Other names: c.455A>C, p.Gln152Pro (NM_001242886.2); c.569A>C, p.Gln190Pro (NM_001242887.2, NM_001242890.2, NM_000790.4); c.335A>C, p.Gln112Pro (NM_001242888.2); c.435+8651A>C (NM_001242889.2); short protein forms Q112P, Q152P, Q190P.
Identifiers: ClinVar variation 5020754 (VCV005020754.1).
Genomic context (GRCh38, chr7:50,529,209, plus strand): 5'-ACATAAAACCAAACATTCGGGTCTTGAAGTCTTGGCTGATACCCCCACAACACACTCACC[T>G]GATCGGATGAGTAAGCCACCAGCTTCTCCATGATAGCGGCCTGTGTGAGCTCTGGGGACG-3'
Protein context (NP_001076440.2, residues 180-200): MEKLVAYSSD[Gln190Pro]AHSSVERAGL

ClinVar aggregate classification (germline): Uncertain significance (1 of 4 stars; one submission).

Submission:

Dasa
Classification: Uncertain significance. Last evaluated: 2026-08-03. Review status: criteria provided, single submitter. Criteria: DASA Assertion Criteria. Collection method: clinical testing. Allele origin: germline.
Comment: NM_001082971.2(DDC):c.569A>C (p.Gln190Pro) is a missense variant that results in the substitution of glutamine with proline. This variant is rare in population databases. Computational prediction algorithms are consistent with a deleterious effect. The currently available literature and clinical evidence are not sufficient to establish a definitive association between this variant and the reported condition. Therefore, this variant is classified as a variant of uncertain significance.